The following is an entry in ClinVar:

ClinVar aggregate classification (germline): Uncertain significance. Review status: criteria provided, multiple submitters, no conflicts (2 of 4 stars). 2 submissions from 2 submitters: Uncertain significance (2). Last evaluated 2025-03-17.

Conditions:
Hereditary cancer-predisposing syndrome. Also called: Neoplastic Syndromes, Hereditary; Tumor predisposition; Hereditary Cancer Syndrome; Hereditary neoplastic syndrome. Identifiers: Orphanet 140162, MedGen C0027672, MeSH D009386, MONDO:0015356.

Submissions (2):

Ambry Genetics
Classification: Uncertain significance for Hereditary cancer-predisposing syndrome. Last evaluated: 2025-03-17. Review status: criteria provided, single submitter. Criteria: Ambry Variant Classification Scheme 2023. Collection method: clinical testing. Allele origin: germline.
Comment: The p.C1201S variant (also known as c.3601T>A), located in coding exon 23 of the RAD50 gene, results from a T to A substitution at nucleotide position 3601. The cysteine at codon 1201 is replaced by serine, an amino acid with dissimilar properties. This amino acid position is conserved. In addition, this alteration is predicted to be deleterious by in silico analysis. Based on the available evidence, the clinical significance of this variant remains unclear.

Labcorp Genetics (formerly Invitae), Labcorp
Classification: Uncertain significance for Hereditary cancer-predisposing syndrome. Last evaluated: 2022-04-04. Review status: criteria provided, single submitter. Criteria: Invitae Variant Classification Sherloc (09022015). Collection method: clinical testing. Allele origin: germline.
Comment: This variant has not been reported in the literature in individuals affected with RAD50-related conditions. This variant is not present in population databases (gnomAD no frequency). This sequence change replaces cysteine, which is neutral and slightly polar, with serine, which is neutral and polar, at codon 1201 of the RAD50 protein (p.Cys1201Ser). Algorithms developed to predict the effect of missense changes on protein structure and function are either unavailable or do not agree on the potential impact of this missense change (SIFT: "Deleterious"; PolyPhen-2: "Probably Damaging"; Align-GVGD: "Class C0"). In summary, the available evidence is currently insufficient to determine the role of this variant in disease. Therefore, it has been classified as a Variant of Uncertain Significance.

NM_005732.4(RAD50):c.3601T>A (p.Cys1201Ser)

Genes: TH2-LCR (Th2 cytokine locus control region; plus strand), TH2LCRR (T helper type 2 locus control region associated RNA; minus strand), RAD50 (RAD50 double strand break repair protein; plus strand). Cytogenetic location: 5q31.1.
Variant type: single nucleotide variant.
Coding change: c.3601T>A on transcript NM_005732.4 (MANE Select); coding-DNA position 3601, T replaced by A.
Protein change: p.Cys1201Ser; replaces cysteine 1201 with serine.
Molecular consequence: missense variant. On other transcripts: non-coding transcript variant (3).
Genome position (GRCh38, 1-based): chr5:132,638,206, T>A. VCF-style: chr5-132638206-T-A. GRCh37 (hg19) VCF-style: chr5-131973898-T-A.
Other names: c.3601T>A (NM_005732.3); short protein forms C1201S.
Identifiers: ClinVar variation 2118385 (VCV002118385.5), dbSNP rs377415802, ClinGen allele CA360932352.